The following is an entry in ClinVar:

ClinVar aggregate classification (germline): Uncertain significance (1 of 4 stars; one submission).

Conditions:
Glycogen storage disease type III (GSD3). Also called: Cori disease; FORBES DISEASE. Identifiers: Orphanet 366, MedGen C0017922, MONDO:0009291, OMIM 232400.

Allele frequency attached by ClinVar (database versions not stated): gnomAD 0.00001 and 0.00002.
gnomAD v4.1: 4 of 1,600,910 alleles (0.00025%); highest among the groups gnomAD compares: African/African-American, 0.0054%; no homozygotes.

Submission:

Labcorp Genetics (formerly Invitae), Labcorp
Classification: Uncertain significance for Glycogen storage disease type III. Last evaluated: 2023-05-15. Review status: criteria provided, single submitter. Criteria: Invitae Variant Classification Sherloc (09022015). Collection method: clinical testing. Allele origin: germline.
Comment: In summary, the available evidence is currently insufficient to determine the role of this variant in disease. Therefore, it has been classified as a Variant of Uncertain Significance. Advanced modeling of protein sequence and biophysical properties (such as structural, functional, and spatial information, amino acid conservation, physicochemical variation, residue mobility, and thermodynamic stability) performed at Invitae indicates that this missense variant is not expected to disrupt AGL protein function. ClinVar contains an entry for this variant (Variation ID: 1482023). This variant has not been reported in the literature in individuals affected with AGL-related conditions. This variant is not present in population databases (gnomAD no frequency). This sequence change replaces proline, which is neutral and non-polar, with serine, which is neutral and polar, at codon 1419 of the AGL protein (p.Pro1419Ser).

NM_000642.3(AGL):c.4255C>T (p.Pro1419Ser)

Gene: AGL (amylo-alpha-1,6-glucosidase and 4-alpha-glucanotransferase; plus strand). Cytogenetic location: 1p21.2.
Variant type: single nucleotide variant.
Coding change: c.4255C>T on transcript NM_000642.3 (MANE Select); coding-DNA position 4255, C replaced by T.
Protein change: p.Pro1419Ser; replaces proline 1419 with serine.
Molecular consequence: missense variant.
Genome position (GRCh38, 1-based): chr1:99,915,482, C>T. VCF-style: chr1-99915482-C-T. GRCh37 (hg19) VCF-style: chr1-100381038-C-T.
Other names: c.4255C>T, p.Pro1419Ser (NM_000643.3, NM_000644.3, NM_001425325.1 and 1 more transcripts); c.4207C>T, p.Pro1403Ser (NM_000646.3); c.4234C>T, p.Pro1412Ser (NM_001425326.1); c.4054C>T, p.Pro1352Ser (NM_001425327.1); c.4051C>T, p.Pro1351Ser (NM_001425328.1); c.3916C>T, p.Pro1306Ser (NM_001425329.1); c.3877C>T, p.Pro1293Ser (NM_001425332.1); short protein forms P1403S, P1419S, P1293S, P1306S, P1351S, P1352S, P1412S.
Identifiers: ClinVar variation 1482023 (VCV001482023.4), dbSNP rs532926173, ClinGen allele CA27558702.